The following is an entry in ClinVar:

NM_001122630.2(CDKN1C):c.876C>T (p.Gly292=)

Gene: CDKN1C (cyclin dependent kinase inhibitor 1C; minus strand). Cytogenetic location: 11p15.4.
Variant type: single nucleotide variant.
Coding change: c.876C>T on transcript NM_001122630.2 (MANE Select); coding-DNA position 876, C replaced by T.
Protein change: p.Gly292=; no amino-acid change (glycine 292 retained).
Molecular consequence: synonymous variant. On other transcripts: missense variant (1).
Genome position (GRCh38, 1-based): chr11:2,884,046, G>A on the plus strand (C>T on the coding strand, the complement: CDKN1C is on the minus strand). VCF-style: chr11-2884046-G-A. GRCh37 (hg19) VCF-style: chr11-2905276-G-A.
Other names: c.909C>T, p.Gly303= (LRG_533t1, NM_000076.2, NM_001362474.2); c.876C>T, p.Gly292= (NM_001122631.2); c.344C>T, p.Ala115Val (NM_001362475.2); c.344C>T (NM_001362475.1); short protein forms A115V.
Identifiers: ClinVar variation 524713 (VCV000524713.28), dbSNP rs377216794, ClinGen allele CA5822140.

ClinVar aggregate classification (germline): Likely benign. Review status: criteria provided, multiple submitters, no conflicts (2 of 4 stars). 4 submissions from 4 submitters: Likely benign (3). 1 of the submissions does not count toward it. Last evaluated 2025-12-25.

Conditions:
Beckwith-Wiedemann syndrome (BWS). Also called: Exomphalos macroglossia gigantism syndrome; EMG SYNDROME. Identifiers: Orphanet 116, MedGen C0004903, MONDO:0007534, OMIM 130650.
CDKN1C-related disorder. Also called: CDKN1C-related condition.

Allele frequency attached by ClinVar (database versions not stated): gnomAD exomes 0.00004 and 0.00010; ESP Exome Variant Server 0.00008; gnomAD 0.00008 and 0.00009; TOPMed 0.00009; ExAC 0.00019.
gnomAD v4.1: 157 of 1,555,004 alleles (0.01%); highest among the groups gnomAD compares: Non-Finnish European, 0.012%; no homozygotes.

Submissions (4):

Labcorp Genetics (formerly Invitae), Labcorp
Classification: Likely benign for Beckwith-Wiedemann syndrome. Last evaluated: 2025-12-25. Review status: criteria provided, single submitter. Criteria: Invitae Variant Classification Sherloc (09022015). Collection method: clinical testing. Allele origin: germline.

CeGaT Center for Human Genetics Tuebingen
Classification: Likely benign. Last evaluated: 2024-10-01. Review status: criteria provided, single submitter. Criteria: CeGaT Center For Human Genetics Tuebingen Variant Classification Criteria Version 2. Collection method: clinical testing. Allele origin: germline. Affected: yes. Observed: 1 variant allele.
Comment: CDKN1C: PP2, BP4, BP7

Blueprint Genetics
Classification: Likely benign. Last evaluated: 2024-05-17. Review status: criteria provided, single submitter. Criteria: ACMG Guidelines, 2015. Collection method: clinical testing. Allele origin: germline.

PreventionGenetics, part of Exact Sciences
Classification: Likely benign for CDKN1C-related condition. Last evaluated: 2019-05-30. Review status: no assertion criteria provided. Collection method: clinical testing. Allele origin: germline. Not counted in ClinVar's aggregate classification.
Comment: This variant is classified as likely benign based on ACMG/AMP sequence variant interpretation guidelines (Richards et al. 2015 PMID: 25741868, with internal and published modifications).